The following is an entry in ClinVar:

NM_000170.3(GLDC):c.1142T>C (p.Ile381Thr)

Gene: GLDC (glycine decarboxylase; minus strand). Cytogenetic location: 9p24.1.
Variant type: single nucleotide variant.
Coding change: c.1142T>C on transcript NM_000170.3 (MANE Select); coding-DNA position 1142, T replaced by C.
Protein change: p.Ile381Thr; replaces isoleucine 381 with threonine.
Molecular consequence: missense variant.
Genome position (GRCh38, 1-based): chr9:6,602,122, A>G on the plus strand (T>C on the coding strand, the complement: GLDC is on the minus strand). VCF-style: chr9-6602122-A-G. GRCh37 (hg19) VCF-style: chr9-6602122-A-G.
Other names: short protein forms I381T.
Identifiers: ClinVar variation 1454790 (VCV001454790.8), dbSNP rs775502762, ClinGen allele CA4980853.

ClinVar aggregate classification (germline): Conflicting classifications of pathogenicity. Review status: criteria provided, conflicting classifications (1 of 4 stars). 2 submissions from 2 submitters: Pathogenic (1); Uncertain significance (1). Last evaluated 2025-04-30.

Conditions:
Glycine encephalopathy. Also called: Non-ketotic hyperglycinemia; Nonketotic hyperglycinemia. Identifiers: Orphanet 407, MedGen C0751748, MONDO:0011612, HP:0008288.

Allele frequency attached by ClinVar (database versions not stated): gnomAD exomes below 0.00001; TOPMed below 0.00001; ExAC 0.00001.

Submissions (2):

Women's Health and Genetics/Laboratory Corporation of America, LabCorp
Classification: Uncertain significance. Last evaluated: 2025-04-30. Review status: criteria provided, single submitter. Criteria: LabCorp Variant Classification Summary - May 2015. Collection method: clinical testing. Allele origin: germline.
Comment: Variant summary: GLDC c.1142T>C (p.Ile381Thr) results in a non-conservative amino acid change in the encoded protein sequence. Five of five in-silico tools predict a damaging effect of the variant on protein function. The variant allele was found at a frequency of 4e-06 in 251456 control chromosomes. c.1142T>C has been observed in individual(s) affected with Glycine Encephalopathy (Non-Ketotic Hyperglycinemia) (Swanson_2015). These data do not allow any conclusion about variant significance. At least one publication reports experimental evidence evaluating an impact on protein function. The most pronounced variant effect results in approximately 32% of normal activity when expressed in COS cells (Swanson_2015). The following publications have been ascertained in the context of this evaluation (PMID: 32421718, 26179960). ClinVar contains an entry for this variant (Variation ID: 1454790). Based on the evidence outlined above, the variant was classified as VUS-possibly pathogenic.

Labcorp Genetics (formerly Invitae), Labcorp
Classification: Pathogenic for Glycine encephalopathy. Last evaluated: 2023-09-19. Review status: criteria provided, single submitter. Criteria: Invitae Variant Classification Sherloc (09022015). Collection method: clinical testing. Allele origin: germline.
Comment: For these reasons, this variant has been classified as Pathogenic. Experimental studies have shown that this missense change affects GLDC function (PMID: 26179960). Advanced modeling of protein sequence and biophysical properties (such as structural, functional, and spatial information, amino acid conservation, physicochemical variation, residue mobility, and thermodynamic stability) performed at Invitae indicates that this missense variant is expected to disrupt GLDC protein function. ClinVar contains an entry for this variant (Variation ID: 1454790). This missense change has been observed in individual(s) with glycine encephalopathy (PMID: 26179960). In at least one individual the data is consistent with being in trans (on the opposite chromosome) from a pathogenic variant. This variant is present in population databases (rs775502762, gnomAD 0.003%). This sequence change replaces isoleucine, which is neutral and non-polar, with threonine, which is neutral and polar, at codon 381 of the GLDC protein (p.Ile381Thr).

Literature cited by the submitters: PubMed 26179960 (cited by Women's Health and Genetics/Laboratory Corporation of America, LabCorp and Labcorp Genetics (formerly Invitae), Labcorp); PubMed 32421718 (cited by Women's Health and Genetics/Laboratory Corporation of America, LabCorp).